The following is an entry in ClinVar:

ClinVar aggregate classification (germline): Uncertain significance. Review status: criteria provided, multiple submitters, no conflicts (2 of 4 stars). 2 submissions from 2 submitters: Uncertain significance (2). Last evaluated 2025-08-22.

Conditions:
Inborn genetic diseases. Identifiers: MedGen C0950123, MeSH D030342.

gnomAD v4.1: 8 of 1,613,982 alleles (0.0005%); highest among the groups gnomAD compares: African/African-American, 0.0053%; no homozygotes.

Submissions (2):

Ambry Genetics
Classification: Uncertain significance for Inborn genetic diseases. Last evaluated: 2025-08-22. Review status: criteria provided, single submitter. Criteria: Ambry Variant Classification Scheme 2023. Collection method: clinical testing. Allele origin: germline.
Comment: The p.K78N variant (also known as c.234G>T), located in coding exon 1 of the SAMD9L gene, results from a G to T substitution at nucleotide position 234. The lysine at codon 78 is replaced by asparagine, an amino acid with similar properties. This amino acid position is conserved. In addition, this alteration is predicted to be tolerated by in silico analysis. Based on the available evidence, the clinical significance of this variant remains unclear.

GeneDx
Classification: Uncertain significance. Last evaluated: 2024-07-03. Review status: criteria provided, single submitter. Criteria: GeneDx Variant Classification Process June 2021. Collection method: clinical testing. Allele origin: germline. Affected: yes.
Comment: Not observed at significant frequency in large population cohorts (gnomAD); In silico analysis indicates that this missense variant does not alter protein structure/function; Has not been previously published as pathogenic or benign to our knowledge

NM_152703.5(SAMD9L):c.234G>T (p.Lys78Asn)

Gene: SAMD9L (sterile alpha motif domain containing 9 like; minus strand). Cytogenetic location: 7q21.2.
Variant type: single nucleotide variant.
Coding change: c.234G>T on transcript NM_152703.5 (MANE Select); coding-DNA position 234, G replaced by T.
Protein change: p.Lys78Asn; replaces lysine 78 with asparagine.
Molecular consequence: missense variant.
Genome position (GRCh38, 1-based): chr7:93,135,738, C>A on the plus strand (G>T on the coding strand, the complement: SAMD9L is on the minus strand). VCF-style: chr7-93135738-C-A. GRCh37 (hg19) VCF-style: chr7-92765051-C-A.
Other names: c.234G>T (NM_152703.2); c.234G>T, p.Lys78Asn (NM_001303496.3, NM_001303497.3, NM_001303498.3 and 5 more transcripts); short protein forms K78N.
Identifiers: ClinVar variation 3393792 (VCV003393792.2).